The following is an entry in ClinVar:

ClinVar aggregate classification (germline): Uncertain significance (1 of 4 stars; one submission).

Conditions:
Genitopatellar syndrome (GTPTS). Also called: Genitopatellar syndrome (GPS); ABSENT PATELLAE, SCROTAL HYPOPLASIA, RENAL ANOMALIES, FACIAL DYSMORPHISM, AND MENTAL RETARDATION. Identifiers: Orphanet 85201, MedGen C1853566, MONDO:0011640, OMIM 606170.

Submission:

Labcorp Genetics (formerly Invitae), Labcorp
Classification: Uncertain significance for Genitopatellar syndrome. Last evaluated: 2025-10-13. Review status: criteria provided, single submitter. Criteria: Invitae Variant Classification Sherloc (09022015). Collection method: clinical testing. Allele origin: germline.
Comment: This sequence change replaces serine, which is neutral and polar, with leucine, which is neutral and non-polar, at codon 98 of the KAT6B protein (p.Ser98Leu). This variant is not present in population databases (gnomAD no frequency). This variant has not been reported in the literature in individuals affected with KAT6B-related conditions. ClinVar contains an entry for this variant (Variation ID: 2134166). Invitae Evidence Modeling of protein sequence and biophysical properties (such as structural, functional, and spatial information, amino acid conservation, physicochemical variation, residue mobility, and thermodynamic stability) indicates that this missense variant is not expected to disrupt KAT6B protein function with a negative predictive value of 80%. In summary, the available evidence is currently insufficient to determine the role of this variant in disease. Therefore, it has been classified as a Variant of Uncertain Significance.

NM_012330.4(KAT6B):c.293C>T (p.Ser98Leu)

Gene: KAT6B (lysine acetyltransferase 6B; plus strand). Cytogenetic location: 10q22.2.
Variant type: single nucleotide variant.
Coding change: c.293C>T on transcript NM_012330.4 (MANE Select); coding-DNA position 293, C replaced by T.
Protein change: p.Ser98Leu; replaces serine 98 with leucine.
Molecular consequence: missense variant. On other transcripts: 5 prime UTR variant (2).
Genome position (GRCh38, 1-based): chr10:74,843,150, C>T. VCF-style: chr10-74843150-C-T. GRCh37 (hg19) VCF-style: chr10-76602908-C-T.
Other names: c.293C>T, p.Ser98Leu (NM_001256468.2, NM_001256469.2, NM_001370132.1 and 10 more transcripts); c.-246C>T (NM_001370134.1, NM_001370135.1); short protein forms S98L.
Identifiers: ClinVar variation 2134166 (VCV002134166.4), dbSNP rs2548334480, ClinGen allele CA377399719.
Genomic context (GRCh38, chr10:74,843,150, plus strand): 5'-GGCGCTTTTCATCAGTTAAACCAGGCACTTTTCCTAAGTCAGCCAAGGGGTCTAGAGGAT[C>T]ATGTAATGATCTCCGCAATGTGGATTGGAATAAACTTTTAAGGAGAGCAATTGAAGGACT-3'
Protein context (NP_036462.2, residues 88-108): FPKSAKGSRG[Ser98Leu]CNDLRNVDWN